The following is an entry in ClinVar:

NM_005993.5(TBCD):c.1699C>G (p.Leu567Val)

Gene: TBCD (tubulin folding cofactor D). Cytogenetic location: 17q25.3.
Variant type: single nucleotide variant.
Coding change: c.1699C>G on transcript NM_005993.5 (MANE Select); coding-DNA position 1699, C replaced by G.
Protein change: p.Leu567Val; replaces leucine 567 with valine.
Molecular consequence: missense variant.
Genome position (GRCh38, 1-based): chr17:82,900,700, C>G. VCF-style: chr17-82900700-C-G. GRCh37 (hg19) VCF-style: chr17-80858576-C-G.
Other names: c.1648C>G, p.Leu550Val (NM_001411101.1); short protein forms L550V, L567V.
Identifiers: ClinVar variation 2062184 (VCV002062184.5), dbSNP rs145180850, ClinGen allele CA8862714.

ClinVar aggregate classification (germline): Uncertain significance. Review status: criteria provided, multiple submitters, no conflicts (2 of 4 stars). 2 submissions from 2 submitters: Uncertain significance (2). Last evaluated 2025-01-16.

Conditions:
Inborn genetic diseases. Identifiers: MedGen C0950123, MeSH D030342.

Allele frequency attached by ClinVar (database versions not stated): ESP Exome Variant Server 0.00033.
gnomAD v4.1: 788 of 1,613,902 alleles (0.049%); highest among the groups gnomAD compares: Non-Finnish European, 0.064%; no homozygotes.

Submissions (3):

Ambry Genetics
Classification: Uncertain significance for Inborn genetic diseases. Last evaluated: 2025-01-16. Review status: criteria provided, single submitter. Criteria: Ambry Variant Classification Scheme 2023. Collection method: clinical testing. Allele origin: germline.

Labcorp Genetics (formerly Invitae), Labcorp
Classification: Uncertain significance. Last evaluated: 2024-10-17. Review status: criteria provided, single submitter. Criteria: Invitae Variant Classification Sherloc (09022015). Collection method: clinical testing. Allele origin: germline.
Comment: This sequence change replaces leucine, which is neutral and non-polar, with valine, which is neutral and non-polar, at codon 567 of the TBCD protein (p.Leu567Val). This variant is present in population databases (rs145180850, gnomAD 0.05%). This variant has not been reported in the literature in individuals affected with TBCD-related conditions. ClinVar contains an entry for this variant (Variation ID: 2062184). Invitae Evidence Modeling of protein sequence and biophysical properties (such as structural, functional, and spatial information, amino acid conservation, physicochemical variation, residue mobility, and thermodynamic stability) has been performed for this missense variant. However, the output from this modeling did not meet the statistical confidence thresholds required to predict the impact of this variant on TBCD protein function. In summary, the available evidence is currently insufficient to determine the role of this variant in disease. Therefore, it has been classified as a Variant of Uncertain Significance.

Dr. Peter K. Rogan Lab, Western University
No classification provided (evidence only). Condition: Malignant tumor of urinary bladder. Review status: no classification provided. Collection method: in vitro. Allele origin: not applicable. Functional consequence: retained intron. Not counted in ClinVar's aggregate classification.